The following is an entry in ClinVar:

NM_000059.4(BRCA2):c.6248T>C (p.Phe2083Ser)

Gene: BRCA2 (BRCA2 DNA repair associated; plus strand). Cytogenetic location: 13q13.1.
Variant type: single nucleotide variant.
Coding change: c.6248T>C on transcript NM_000059.4 (MANE Select); coding-DNA position 6248, T replaced by C.
Protein change: p.Phe2083Ser; replaces phenylalanine 2083 with serine.
Molecular consequence: missense variant.
Genome position (GRCh38, 1-based): chr13:32,340,603, T>C. VCF-style: chr13-32340603-T-C. GRCh37 (hg19) VCF-style: chr13-32914740-T-C.
Other names: c.6248T>C, p.Phe2083Ser (NM_001406719.1, NM_001406720.1); short protein forms F2083S.
Identifiers: ClinVar variation 2088417 (VCV002088417.8), dbSNP rs774522471, ClinGen allele CA6940939.

ClinVar aggregate classification (germline): Conflicting classifications of pathogenicity. Review status: criteria provided, conflicting classifications (1 of 4 stars). 4 submissions from 4 submitters: Uncertain significance (3); Likely benign (1). Last evaluated 2025-05-17.

Conditions:
Breast-ovarian cancer, familial, susceptibility to, 2 (BROVCA2). Also called: BRCA2 Hereditary Breast and Ovarian Cancer. Identifiers: Orphanet 145, MedGen C2675520, MONDO:0012933, OMIM 612555. Disease mechanism: loss of function.
Hereditary cancer-predisposing syndrome. Also called: Tumor predisposition; Neoplastic Syndromes, Hereditary; Hereditary neoplastic syndrome; Hereditary Cancer Syndrome. Identifiers: Orphanet 140162, MedGen C0027672, MeSH D009386, MONDO:0015356.
Hereditary breast ovarian cancer syndrome. Also called: Hereditary breast and ovarian cancer syndrome (HBOC); Hereditary breast and ovarian cancer; Hereditary breast and ovarian cancer syndrome; Breast and ovarian cancer; Hereditary breast and/or ovarian cancer syndrome; BRCA1- and BRCA2-Associated Hereditary Breast and Ovarian Cancer. Identifiers: Orphanet 145, MedGen C0677776, MeSH D061325, MONDO:0003582. Disease mechanism: loss of function.

Allele frequency attached by ClinVar (database versions not stated): gnomAD exomes below 0.00001; TOPMed below 0.00001; ExAC 0.00001.
gnomAD v4.1: 4 of 1,607,900 alleles (0.00025%); highest among the groups gnomAD compares: Non-Finnish European, 0.00034%; no homozygotes.

Submissions (4):

Labcorp Genetics (formerly Invitae), Labcorp
Classification: Uncertain significance for Hereditary breast ovarian cancer syndrome. Last evaluated: 2025-05-17. Review status: criteria provided, single submitter. Criteria: Invitae Variant Classification Sherloc (09022015). Collection method: clinical testing. Allele origin: germline.
Comment: This sequence change replaces phenylalanine, which is neutral and non-polar, with serine, which is neutral and polar, at codon 2083 of the BRCA2 protein (p.Phe2083Ser). This variant is present in population databases (rs774522471, gnomAD 0.0009%). This missense change has been observed in individual(s) with ovarian cancer (PMID: 22711857). ClinVar contains an entry for this variant (Variation ID: 2088417). Invitae Evidence Modeling of protein sequence and biophysical properties (such as structural, functional, and spatial information, amino acid conservation, physicochemical variation, residue mobility, and thermodynamic stability) indicates that this missense variant is not expected to disrupt BRCA2 protein function with a negative predictive value of 95%. In summary, the available evidence is currently insufficient to determine the role of this variant in disease. Therefore, it has been classified as a Variant of Uncertain Significance.

Ambry Genetics
Classification: Uncertain significance for Hereditary cancer-predisposing syndrome. Last evaluated: 2025-04-30. Review status: criteria provided, single submitter. Criteria: Ambry Variant Classification Scheme 2023. Collection method: clinical testing. Allele origin: germline.
Comment: The p.F2083S variant (also known as c.6248T>C), located in coding exon 10 of the BRCA2 gene, results from a T to C substitution at nucleotide position 6248. The phenylalanine at codon 2083 is replaced by serine, an amino acid with highly dissimilar properties. This variant was observed in a cohort of 1001 patients with non-mucinous ovarian carcinoma (Alsop K et al. J Clin Oncol, 2012 Jul;30:2654-63). This amino acid position is well conserved in available vertebrate species. In addition, the in silico prediction for this alteration is inconclusive. Based on the available evidence, the clinical significance of this variant remains unclear.

All of Us Research Program, National Institutes of Health
Classification: Uncertain significance for Breast-ovarian cancer, familial, susceptibility to, 2. Last evaluated: 2023-12-18. Review status: criteria provided, single submitter. Criteria: ACMG Guidelines, 2015. Collection method: clinical testing. Allele origin: germline. Inheritance: Autosomal dominant inheritance. Observed: 1 variant allele, 1 heterozygote.
Comment: This missense variant replaces phenylalanine with serine at codon 2083 of the BRCA2 protein. Computational prediction is inconclusive regarding the impact of this variant on protein structure and function (internally defined REVEL score threshold 0.5 < inconclusive < 0.7, PMID: 27666373). To our knowledge, functional studies have not been reported for this variant. This variant has been reported in an individual affected with breast cancer and in an individual affected with ovarian cancer (PMID: 22711857, 33471991; Leiden Open Variation Database DB-ID BRCA2_008431). This variant has been identified in 1/245832 chromosomes in the general population by the Genome Aggregation Database (gnomAD). The available evidence is insufficient to determine the role of this variant in disease conclusively. Therefore, this variant is classified as a Variant of Uncertain Significance.

This study involves interpretation of variants in research participants for the purpose of population health screening. Participant phenotype was not available at the time of variant classification. Additional details can be found in publication PMID: 35346344, PMCID: PMC8962531

University of Washington Department of Laboratory Medicine, University of Washington
Classification: Likely benign for Hereditary cancer-predisposing syndrome. Last evaluated: 2023-03-23. Review status: criteria provided, single submitter. Criteria: Dines et al. (Genet Med. 2020). Collection method: curation. Allele origin: germline.
Comment: Missense variant in a coldspot region where missense variants are very unlikely to be pathogenic (PMID:31911673).

BRCA2 exon 11 coldspot. Reclassification based on statistical prior probability.

Literature cited by the submitters: PubMed 22711857 (cited by 3 submitters); PubMed 33471991 (cited by All of Us Research Program, National Institutes of Health).